The following is an entry in ClinVar:

NM_004525.3(LRP2):c.92C>A (p.Ala31Glu)

Gene: LRP2 (LDL receptor related protein 2; minus strand). Cytogenetic location: 2q31.1.
Variant type: single nucleotide variant.
Coding change: c.92C>A on transcript NM_004525.3 (MANE Select); coding-DNA position 92, C replaced by A.
Protein change: p.Ala31Glu; replaces alanine 31 with glutamic acid.
Molecular consequence: missense variant.
Genome position (GRCh38, 1-based): chr2:169,320,872, G>T on the plus strand (C>A on the coding strand, the complement: LRP2 is on the minus strand). VCF-style: chr2-169320872-G-T. GRCh37 (hg19) VCF-style: chr2-170177382-G-T.
Other names: short protein forms A31E.
Identifiers: ClinVar variation 1438728 (VCV001438728.3), dbSNP rs144829356, ClinGen allele CA59967238.

ClinVar aggregate classification (germline): Uncertain significance (1 of 4 stars; one submission).

gnomAD v4.1: 162 of 1,612,254 alleles (0.01%); highest among the groups gnomAD compares: Non-Finnish European, 0.013%; no homozygotes.

Submission:

Labcorp Genetics (formerly Invitae), Labcorp
Classification: Uncertain significance. Last evaluated: 2022-05-07. Review status: criteria provided, single submitter. Criteria: Invitae Variant Classification Sherloc (09022015). Collection method: clinical testing. Allele origin: germline.
Comment: This sequence change replaces alanine, which is neutral and non-polar, with glutamic acid, which is acidic and polar, at codon 31 of the LRP2 protein (p.Ala31Glu). This variant is present in population databases (rs144829356, gnomAD 0.006%). This variant has not been reported in the literature in individuals affected with LRP2-related conditions. Advanced modeling of protein sequence and biophysical properties (such as structural, functional, and spatial information, amino acid conservation, physicochemical variation, residue mobility, and thermodynamic stability) performed at Invitae indicates that this missense variant is not expected to disrupt LRP2 protein function. Algorithms developed to predict the effect of sequence changes on RNA splicing suggest that this variant may create or strengthen a splice site. In summary, the available evidence is currently insufficient to determine the role of this variant in disease. Therefore, it has been classified as a Variant of Uncertain Significance.